The following is an entry in ClinVar:

NM_000245.4(MET):c.4069G>A (p.Val1357Met)

Gene: MET (MET proto-oncogene, receptor tyrosine kinase; plus strand). Cytogenetic location: 7q31.2.
Variant type: single nucleotide variant.
Coding change: c.4069G>A on transcript NM_000245.4 (MANE Select); coding-DNA position 4069, G replaced by A.
Protein change: p.Val1357Met; replaces valine 1357 with methionine.
Molecular consequence: missense variant.
Genome position (GRCh38, 1-based): chr7:116,796,020, G>A. VCF-style: chr7-116796020-G-A. GRCh37 (hg19) VCF-style: chr7-116436074-G-A.
Other names: c.4123G>A, p.Val1375Met (NM_001127500.3); c.2779G>A, p.Val927Met (NM_001324402.2); short protein forms V927M, V1357M, V1375M.
Identifiers: ClinVar variation 5024342 (VCV005024342.1).
Genomic context (GRCh38, chr7:116,796,020, plus strand): 5'-ATATCAGCGATCTTCTCTACTTTCATTGGGGAGCACTATGTCCATGTGAACGCTACTTAT[G>A]TGAACGTAAAATGTGTCGCTCCGTATCCTTCTCTGTTGTCATCAGAAGATAACGCTGATG-3'
Protein context (NP_000236.2, residues 1347-1367): EHYVHVNATY[Val1357Met]NVKCVAPYPS

ClinVar aggregate classification (germline): Uncertain significance (1 of 4 stars; one submission).

Conditions:
Hereditary cancer-predisposing syndrome. Also called: Neoplastic Syndromes, Hereditary; Tumor predisposition; Hereditary neoplastic syndrome; Hereditary Cancer Syndrome. Identifiers: Orphanet 140162, MedGen C0027672, MeSH D009386, MONDO:0015356.

Submission:

Ambry Genetics
Classification: Uncertain significance for Hereditary cancer-predisposing syndrome. Last evaluated: 2026-07-09. Review status: criteria provided, single submitter. Criteria: Ambry Variant Classification Scheme 2023. Collection method: clinical testing. Allele origin: germline.
Comment: The p.V1375M variant (also known as c.4123G>A), located in coding exon 20 of the MET gene, results from a G to A substitution at nucleotide position 4123. The valine at codon 1375 is replaced by methionine, an amino acid with highly similar properties. This amino acid position is conserved. In addition, the in silico prediction for this alteration is inconclusive. Based on the available evidence, the clinical significance of this variant remains unclear.